The following is an entry in ClinVar:

ClinVar aggregate classification (germline): Uncertain significance (1 of 4 stars; one submission).

Allele frequency attached by ClinVar (database versions not stated): gnomAD 0.00001; gnomAD exomes 0.00001 and 0.00002; ExAC 0.00006; 1000 Genomes Project 30x 0.00031; 1000 Genomes Project 0.00040.
gnomAD v4.1: 17 of 1,613,922 alleles (0.0011%); highest among the groups gnomAD compares: South Asian, 0.019%; no homozygotes.

Submission:

Labcorp Genetics (formerly Invitae), Labcorp
Classification: Uncertain significance. Last evaluated: 2022-06-13. Review status: criteria provided, single submitter. Criteria: Invitae Variant Classification Sherloc (09022015). Collection method: clinical testing. Allele origin: germline.
Comment: In summary, the available evidence is currently insufficient to determine the role of this variant in disease. Therefore, it has been classified as a Variant of Uncertain Significance. Algorithms developed to predict the effect of missense changes on protein structure and function are either unavailable or do not agree on the potential impact of this missense change (SIFT: "Deleterious"; PolyPhen-2: "Not Available"; Align-GVGD: "Class C0"). This variant has not been reported in the literature in individuals affected with PCLO-related conditions. This variant is present in population databases (rs576297918, gnomAD 0.02%). This sequence change replaces alanine, which is neutral and non-polar, with glycine, which is neutral and non-polar, at codon 2955 of the PCLO protein (p.Ala2955Gly).

NM_033026.6(PCLO):c.8864C>G (p.Ala2955Gly)

Gene: PCLO (piccolo presynaptic cytomatrix protein; minus strand). Cytogenetic location: 7q21.11.
Variant type: single nucleotide variant.
Coding change: c.8864C>G on transcript NM_033026.6 (MANE Select); coding-DNA position 8864, C replaced by G.
Protein change: p.Ala2955Gly; replaces alanine 2955 with glycine.
Molecular consequence: missense variant.
Genome position (GRCh38, 1-based): chr7:82,952,089, G>C on the plus strand (C>G on the coding strand, the complement: PCLO is on the minus strand). VCF-style: chr7-82952089-G-C. GRCh37 (hg19) VCF-style: chr7-82581405-G-C.
Other names: c.8864C>G, p.Ala2955Gly (NM_014510.3); short protein forms A2955G.
Identifiers: ClinVar variation 1522249 (VCV001522249.5), dbSNP rs576297918, ClinGen allele CA4320044.